The following is an entry in ClinVar:

ClinVar aggregate classification (germline): Uncertain significance. Review status: criteria provided, multiple submitters, no conflicts (2 of 4 stars). 3 submissions from 3 submitters: Uncertain significance (3). Last evaluated 2025-07-07.

Allele frequency attached by ClinVar (database versions not stated): gnomAD 0.00005; gnomAD exomes 0.00005 and 0.00012; TOPMed 0.00005; ExAC 0.00006; ESP Exome Variant Server 0.00015.
gnomAD v4.1: 177 of 1,600,386 alleles (0.011%); highest among the groups gnomAD compares: Non-Finnish European, 0.015%; no homozygotes.

Submissions (3):

Women's Health and Genetics/Laboratory Corporation of America, LabCorp
Classification: Uncertain significance. Last evaluated: 2025-07-07. Review status: criteria provided, single submitter. Criteria: LabCorp Variant Classification Summary - May 2015. Collection method: clinical testing. Allele origin: germline.
Comment: Variant summary: GRM1 c.3044C>G (p.Pro1015Arg) results in a non-conservative amino acid change in the encoded protein sequence. Algorithms developed to predict the effect of missense changes on protein structure and function are either unavailable or do not agree on the potential impact of this missense change. The variant allele was found at a frequency of 5.4e-05 in 242132 control chromosomes. This frequency is not significantly higher than estimated for a pathogenic variant in GRM1 causing Autosomal Recessive Spinocerebellar Ataxia 13, allowing no conclusion about variant significance. To our knowledge, no occurrence of c.3044C>G in individuals affected with Autosomal Recessive Spinocerebellar Ataxia 13 and no experimental evidence demonstrating its impact on protein function have been reported. ClinVar contains an entry for this variant (Variation ID: 585962). Based on the evidence outlined above, the variant was classified as uncertain significance.

Labcorp Genetics (formerly Invitae), Labcorp
Classification: Uncertain significance. Last evaluated: 2022-09-20. Review status: criteria provided, single submitter. Criteria: Invitae Variant Classification Sherloc (09022015). Collection method: clinical testing. Allele origin: germline.
Comment: In summary, the available evidence is currently insufficient to determine the role of this variant in disease. Therefore, it has been classified as a Variant of Uncertain Significance. Algorithms developed to predict the effect of missense changes on protein structure and function are either unavailable or do not agree on the potential impact of this missense change (SIFT: "Deleterious"; PolyPhen-2: "Benign"; Align-GVGD: "Class C0"). ClinVar contains an entry for this variant (Variation ID: 585962). This variant has not been reported in the literature in individuals affected with GRM1-related conditions. This variant is present in population databases (rs199777173, gnomAD 0.01%). This sequence change replaces proline, which is neutral and non-polar, with arginine, which is basic and polar, at codon 1015 of the GRM1 protein (p.Pro1015Arg).

Athena Diagnostics
Classification: Uncertain significance. Last evaluated: 2017-12-15. Review status: criteria provided, single submitter. Criteria: Athena Diagnostics Criteria. Collection method: clinical testing. Allele origin: germline.

NM_001278064.2(GRM1):c.3044C>G (p.Pro1015Arg)

Gene: GRM1 (glutamate metabotropic receptor 1; plus strand). Cytogenetic location: 6q24.3.
Variant type: single nucleotide variant.
Coding change: c.3044C>G on transcript NM_001278064.2 (MANE Select); coding-DNA position 3044, C replaced by G.
Protein change: p.Pro1015Arg; replaces proline 1015 with arginine.
Molecular consequence: missense variant. On other transcripts: 3 prime UTR variant (3).
Genome position (GRCh38, 1-based): chr6:146,434,255, C>G. VCF-style: chr6-146434255-C-G. GRCh37 (hg19) VCF-style: chr6-146755391-C-G.
Other names: c.*408C>G (NM_001278065.2); c.*373C>G (NM_001278066.1); c.*282C>G (NM_001278067.1); short protein forms P1015R.
Identifiers: ClinVar variation 585962 (VCV000585962.8), dbSNP rs199777173, ClinGen allele CA4037604.